The following is an entry in ClinVar:

NM_000059.4(BRCA2):c.3868T>A (p.Cys1290Ser)

Gene: BRCA2 (BRCA2 DNA repair associated; plus strand). Cytogenetic location: 13q13.1.
Variant type: single nucleotide variant.
Coding change: c.3868T>A on transcript NM_000059.4 (MANE Select); coding-DNA position 3868, T replaced by A.
Protein change: p.Cys1290Ser; replaces cysteine 1290 with serine.
Molecular consequence: missense variant.
Genome position (GRCh38, 1-based): chr13:32,338,223, T>A. VCF-style: chr13-32338223-T-A. GRCh37 (hg19) VCF-style: chr13-32912360-T-A.
Other names: short protein forms C1290S.
Identifiers: ClinVar variation 1526280 (VCV001526280.5), dbSNP rs2137500806, ClinGen allele CA387778695.

ClinVar aggregate classification (germline): Conflicting classifications of pathogenicity. Review status: criteria provided, conflicting classifications (1 of 4 stars). 2 submissions from 2 submitters: Uncertain significance (1); Likely benign (1). Last evaluated 2023-03-23.

Conditions:
Breast-ovarian cancer, familial, susceptibility to, 2 (BROVCA2). Also called: BRCA2 Hereditary Breast and Ovarian Cancer. Identifiers: Orphanet 145, MedGen C2675520, MONDO:0012933, OMIM 612555. Disease mechanism: loss of function.
Hereditary cancer-predisposing syndrome. Also called: Tumor predisposition; Hereditary neoplastic syndrome; Neoplastic Syndromes, Hereditary; Hereditary Cancer Syndrome. Identifiers: Orphanet 140162, MedGen C0027672, MeSH D009386, MONDO:0015356.

Submissions (2):

University of Washington Department of Laboratory Medicine, University of Washington
Classification: Likely benign for Hereditary cancer-predisposing syndrome. Last evaluated: 2023-03-23. Review status: criteria provided, single submitter. Criteria: Dines et al. (Genet Med. 2020). Collection method: curation. Allele origin: germline.
Comment: Missense variant in a coldspot region where missense variants are very unlikely to be pathogenic (PMID:31911673).

BRCA2 exon 11 coldspot. Reclassification based on statistical prior probability.

University of Science and Technology Houari Boumediene, Laboratory of Molecular and Cellular Biology (LBCM)
Classification: Uncertain significance for Breast-ovarian cancer, familial, susceptibility to, 2. Review status: criteria provided, single submitter. Criteria: ACMG Guidelines, 2015. Collection method: clinical testing. Allele origin: germline. Affected: yes. Observed: 1 heterozygote.

Literature cited by the submitters: PubMed 20683152 (cited by University of Science and Technology Houari Boumediene, Laboratory of Molecular and Cellular Biology (LBCM)); PubMed 22684231 (cited by University of Science and Technology Houari Boumediene, Laboratory of Molecular and Cellular Biology (LBCM)); PubMed 23697973 (cited by University of Science and Technology Houari Boumediene, Laboratory of Molecular and Cellular Biology (LBCM)).